The following is an entry in ClinVar:

ClinVar aggregate classification (germline): Uncertain significance (1 of 4 stars; one submission).

Conditions:
Anauxetic dysplasia. Identifiers: Orphanet 93347, MedGen C1846796, MONDO:0011773.

Submission:

Labcorp Genetics (formerly Invitae), Labcorp
Classification: Uncertain significance for Anauxetic dysplasia. Last evaluated: 2025-08-12. Review status: criteria provided, single submitter. Criteria: Invitae Variant Classification Sherloc (09022015). Collection method: clinical testing. Allele origin: germline.
Comment: This variant occurs in the RMRP gene, which encodes an RNA molecule that does not result in a protein product. This variant is not present in population databases (gnomAD no frequency). This variant has not been reported in the literature in individuals affected with RMRP-related conditions. Experimental studies and prediction algorithms are not available or were not evaluated, and the functional significance of this variant is currently unknown. In summary, the available evidence is currently insufficient to determine the role of this variant in disease. Therefore, it has been classified as a Variant of Uncertain Significance.

NC_000009.12:g.35658112del

Gene: RMRP (RNA component of mitochondrial RNA processing endoribonuclease; minus strand). Cytogenetic location: 9p13.3.
Variant type: Deletion.
Genome position: GRCh38 VCF-style: chr9-35658105-TA-T. GRCh37 (hg19) VCF-style: chr9-35658102-TA-T.
Identifiers: ClinVar variation 1985555 (VCV001985555.2), dbSNP rs1052348382, ClinGen allele CA863579140.